The following is an entry in ClinVar:

ClinVar aggregate classification (germline): Likely pathogenic (1 of 4 stars; one submission).

Conditions:
Wolcott-Rallison dysplasia. Also called: Wolcott-Rallison syndrome; MED-IDDM SYNDROME. Identifiers: Orphanet 1667, MedGen C0432217, MONDO:0009192, OMIM 226980.

Submission:

Neuberg Centre For Genomic Medicine, NCGM
Classification: Likely pathogenic for Wolcott-Rallison dysplasia. Last evaluated: 2023-07-22. Review status: criteria provided, single submitter. Criteria: ACMG Guidelines, 2015. Collection method: clinical testing. Allele origin: germline. Inheritance: Autosomal recessive inheritance. Affected: yes.
Comment: The observed frameshift variant c.1758_1759dupp.Ser587TyrfsTer5 in EIF2AK3 gene has not been reported previously as a pathogenic variant nor as a benign variant, to our knowledge. The p.Ser587TyrfsTer5 variant is absent in gnomAD Exomes. This variant causes a frameshift starting with codon Serine 587, changes this amino acid to Tyrosine residue, and creates a premature Stop codon at position 5 of the new reading frame, denoted p.Ser587TyrfsTer5. This variant is predicted to cause loss of normal protein function through protein truncation.

NM_004836.7(EIF2AK3):c.1758_1759dup (p.Ser587fs)

Gene: EIF2AK3 (eukaryotic translation initiation factor 2 alpha kinase 3; minus strand). Cytogenetic location: 2p11.2.
Variant type: Microsatellite.
Coding change: c.1758_1759dup on transcript NM_004836.7 (MANE Select); coding-DNA positions 1758 to 1759, 2 bases duplicated (AT; older notation c.1758_1759dupAT).
Protein change: p.Ser587fs; shifts the reading frame from serine 587.
Molecular consequence: frameshift variant.
Genome position (GRCh38, 1-based): chr2:88,583,434-88,583,435, AT duplicated on the plus strand (AT on the coding strand, the reverse complement: EIF2AK3 is on the minus strand); duplicating any 2 consecutive bases within chr2:88,583,434-88,583,441 gives the same sequence; the c. name uses the placement nearest the transcript's 3' end. VCF-style (leftmost placement, unchanged base first): chr2-88583433-G-GAT. GRCh37 (hg19) VCF-style: chr2-88882951-G-GAT.
Other names: c.1305_1306dup, p.Ser436fs (NM_001313915.2); short protein forms S436fs, S587fs.
Identifiers: ClinVar variation 3391325 (VCV003391325.1).